The following is an entry in ClinVar:

ClinVar aggregate classification (germline): Likely pathogenic (1 of 4 stars; one submission).

Conditions:
Multiple congenital anomalies-hypotonia-seizures syndrome 1 (MCAHS1). Also called: GLYCOSYLPHOSPHATIDYLINOSITOL BIOSYNTHESIS DEFECT 3; PIGN-CDG; Congenital disorder of glycosylation due to PIGN deficiency. Identifiers: Orphanet 280633, MedGen C3279775, MONDO:0013563, OMIM 614080.

Allele frequency attached by ClinVar (database versions not stated): ExAC 0.00005.
gnomAD v4.1: 2 of 1,540,078 alleles (0.00013%); highest among the groups gnomAD compares: South Asian, 0.0024%; no homozygotes.

Submission:

Labcorp Genetics (formerly Invitae), Labcorp
Classification: Likely pathogenic for Multiple congenital anomalies-hypotonia-seizures syndrome 1. Last evaluated: 2023-08-03. Review status: criteria provided, single submitter. Criteria: Invitae Variant Classification Sherloc (09022015). Collection method: clinical testing. Allele origin: germline.
Comment: This variant has not been reported in the literature in individuals affected with PIGN-related conditions. In summary, the currently available evidence indicates that the variant is pathogenic, but additional data are needed to prove that conclusively. Therefore, this variant has been classified as Likely Pathogenic. Algorithms developed to predict the effect of sequence changes on RNA splicing suggest that this variant may disrupt the consensus splice site. This variant is present in population databases (rs753308994, gnomAD 0.005%). This sequence change affects an acceptor splice site in intron 25 of the PIGN gene. It is expected to disrupt RNA splicing. Variants that disrupt the donor or acceptor splice site typically lead to a loss of protein function (PMID: 16199547), and loss-of-function variants in PIGN are known to be pathogenic (PMID: 24253414, 27038415).

Literature cited by the submitters: PubMed 16199547; PubMed 24253414; PubMed 27038415.

NM_176787.5(PIGN):c.2371-2A>G

Gene: PIGN (phosphatidylinositol glycan anchor biosynthesis class N; minus strand). Cytogenetic location: 18q21.33.
Variant type: single nucleotide variant.
Coding change: c.2371-2A>G on transcript NM_176787.5 (MANE Select); the canonical splice acceptor site of the intron before coding-DNA position 2371, A replaced by G.
Molecular consequence: splice acceptor variant.
Genome position (GRCh38, 1-based): chr18:62,085,266, T>C on the plus strand (A>G on the coding strand, the complement: PIGN is on the minus strand). VCF-style: chr18-62085266-T-C. GRCh37 (hg19) VCF-style: chr18-59752499-T-C.
Other names: c.2371-2A>G (NM_012327.6).
Identifiers: ClinVar variation 2749709 (VCV002749709.3), dbSNP rs753308994, ClinGen allele CA8981998.